The following is an entry in ClinVar:

ClinVar aggregate classification (germline): Pathogenic (1 of 4 stars; one submission).

Conditions:
Neuronal ceroid lipofuscinosis 7 (CLN7). Also called: MFSD8-Related Neuronal Ceroid-Lipofuscinosis. Identifiers: Orphanet 168491, Orphanet 228366, MedGen C1838571, MONDO:0012588, OMIM 610951.

Submission:

Labcorp Genetics (formerly Invitae), Labcorp
Classification: Pathogenic for Neuronal ceroid lipofuscinosis 7. Last evaluated: 2024-03-07. Review status: criteria provided, single submitter. Criteria: Invitae Variant Classification Sherloc (09022015). Collection method: clinical testing. Allele origin: germline.
Comment: This sequence change creates a premature translational stop signal (p.Gly480Aspfs*12) in the MFSD8 gene. While this is not anticipated to result in nonsense mediated decay, it is expected to disrupt the last 39 amino acid(s) of the MFSD8 protein. This variant is not present in population databases (gnomAD no frequency). This variant has not been reported in the literature in individuals affected with MFSD8-related conditions. This variant disrupts a region of the MFSD8 protein in which other variant(s) (p.Arg482*) have been determined to be pathogenic (PMID: 19177532, 25976102, 28708303; Invitae). This suggests that this is a clinically significant region of the protein, and that variants that disrupt it are likely to be disease-causing. For these reasons, this variant has been classified as Pathogenic.

Literature cited by the submitters: PubMed 19177532; PubMed 25976102; PubMed 28708303.

NM_001371596.2(MFSD8):c.1439del (p.Gly480fs)

Gene: MFSD8 (major facilitator superfamily domain containing 8; minus strand). Cytogenetic location: 4q28.2.
Variant type: Deletion.
Coding change: c.1439del on transcript NM_001371596.2 (MANE Select); coding-DNA position 1439, one base deleted (G; older notation c.1439delG).
Protein change: p.Gly480fs; shifts the reading frame from glycine 480.
Molecular consequence: frameshift variant. On other transcripts: 3 prime UTR variant (1).
Genome position (GRCh38, 1-based): chr4:127,920,748, C deleted on the plus strand (G on the coding strand, the reverse complement: MFSD8 is on the minus strand); the first of 4 consecutive C bases (chr4:127,920,748-127,920,751); deleting any one gives the same sequence. VCF-style (leftmost placement, unchanged base first): chr4-127920747-TC-T. GRCh37 (hg19) VCF-style: chr4-128841902-TC-T.
Other names: c.1325del, p.Gly442fs (NM_001371593.2); c.1304del, p.Gly435fs (NM_001371590.2); c.1445del, p.Gly482fs (NM_001371592.2); c.1124del, p.Gly375fs (NM_001363521.3); c.1238del, p.Gly413fs (NM_001363520.3); c.1448del, p.Gly483fs (NM_001371591.2); c.1292del, p.Gly431fs (NM_001371594.2); c.1157del, p.Gly386fs (NM_001371595.1); and 3 more; short protein forms G431fs, G375fs, G435fs, G442fs, G482fs, G330fs, G386fs, G413fs.
Identifiers: ClinVar variation 3667404 (VCV003667404.2).